The following is an entry in ClinVar:

ClinVar aggregate classification (germline): Uncertain significance. Review status: criteria provided, multiple submitters, no conflicts (2 of 4 stars). 2 submissions from 2 submitters: Uncertain significance (2). Last evaluated 2023-11-03.

Conditions:
Inborn genetic diseases. Identifiers: MedGen C0950123, MeSH D030342.
Leukocyte adhesion deficiency 1 (LAD1). Also called: LEUKOCYTE ADHESION DEFICIENCY, TYPE I; LAD 1; Lymphocyte function-associated antigen 1 immunodeficiency; LFA 1 immunodeficiency. Identifiers: Orphanet 2968, Orphanet 99842, MedGen C0398738, MONDO:0007293, OMIM 116920.

Allele frequency attached by ClinVar (database versions not stated): TOPMed 0.00001; ExAC 0.00002; gnomAD exomes 0.00002.
gnomAD v4.1: 6 of 1,614,120 alleles (0.00037%); highest among the groups gnomAD compares: Admixed American, 0.0033%; no homozygotes.

Submissions (2):

Ambry Genetics
Classification: Uncertain significance for Inborn genetic diseases. Last evaluated: 2023-11-03. Review status: criteria provided, single submitter. Criteria: Ambry Variant Classification Scheme 2023. Collection method: clinical testing. Allele origin: germline.

Labcorp Genetics (formerly Invitae), Labcorp
Classification: Uncertain significance for Leukocyte adhesion deficiency 1. Last evaluated: 2022-08-08. Review status: criteria provided, single submitter. Criteria: Invitae Variant Classification Sherloc (09022015). Collection method: clinical testing. Allele origin: germline.
Comment: This sequence change replaces lysine, which is basic and polar, with asparagine, which is neutral and polar, at codon 765 of the ITGB2 protein (p.Lys765Asn). This variant is present in population databases (rs750477817, gnomAD 0.009%). This variant has not been reported in the literature in individuals affected with ITGB2-related conditions. ClinVar contains an entry for this variant (Variation ID: 936550). Algorithms developed to predict the effect of missense changes on protein structure and function (SIFT, PolyPhen-2, Align-GVGD) all suggest that this variant is likely to be tolerated. In summary, the available evidence is currently insufficient to determine the role of this variant in disease. Therefore, it has been classified as a Variant of Uncertain Significance.

NM_000211.5(ITGB2):c.2295G>C (p.Lys765Asn)

Gene: ITGB2 (integrin subunit beta 2; minus strand). Cytogenetic location: 21q22.3.
Variant type: single nucleotide variant.
Coding change: c.2295G>C on transcript NM_000211.5 (MANE Select); coding-DNA position 2295, G replaced by C.
Protein change: p.Lys765Asn; replaces lysine 765 with asparagine.
Molecular consequence: missense variant.
Genome position (GRCh38, 1-based): chr21:44,886,383, C>G on the plus strand (G>C on the coding strand, the complement: ITGB2 is on the minus strand). VCF-style: chr21-44886383-C-G. GRCh37 (hg19) VCF-style: chr21-46306298-C-G.
Other names: c.2295G>C (NM_000211.3); c.2295G>C, p.Lys765Asn (NM_001127491.3); c.2088G>C, p.Lys696Asn (NM_001303238.2); short protein forms K765N, K696N.
Identifiers: ClinVar variation 936550 (VCV000936550.6), dbSNP rs750477817, ClinGen allele CA10062490.